The following is an entry in ClinVar:

ClinVar aggregate classification (germline): Uncertain significance (1 of 4 stars; one submission).

Conditions:
Epidermolysis bullosa simplex 3, localized or generalized intermediate, with BP230 deficiency (EBS3). Also called: Epidermolysis bullosa simplex, autosomal recessive 2; Epidermolysis bullosa simplex due to BP230 deficiency. Identifiers: Orphanet 412181, MedGen C3809470, MONDO:0014180, OMIM 615425.
Hereditary sensory and autonomic neuropathy type 6. Also called: HSAN VI; Neuropathy, hereditary sensory and autonomic, type VI. Identifiers: Orphanet 314381, MedGen C3539003, MONDO:0013839, OMIM 614653.

Allele frequency attached by ClinVar (database versions not stated): ExAC 0.00002; gnomAD 0.00002; gnomAD exomes 0.00002 and 0.00006; TOPMed 0.00002; ESP Exome Variant Server 0.00008.
gnomAD v4.1: 95 of 1,614,058 alleles (0.0059%); highest among the groups gnomAD compares: Non-Finnish European, 0.0078%; no homozygotes.

Submission:

Labcorp Genetics (formerly Invitae), Labcorp
Classification: Uncertain significance for Epidermolysis bullosa simplex 3, localized or generalized intermediate, with BP230 deficiency; Hereditary sensory and autonomic neuropathy type 6. Last evaluated: 2022-08-02. Review status: criteria provided, single submitter. Criteria: Invitae Variant Classification Sherloc (09022015). Collection method: clinical testing. Allele origin: germline.
Comment: This sequence change replaces glutamic acid, which is acidic and polar, with glycine, which is neutral and non-polar, at codon 2540 of the DST protein (p.Glu2540Gly). This variant is present in population databases (rs372196234, gnomAD 0.004%). This variant has not been reported in the literature in individuals affected with DST-related conditions. ClinVar contains an entry for this variant (Variation ID: 357544). Algorithms developed to predict the effect of missense changes on protein structure and function (SIFT, PolyPhen-2, Align-GVGD) all suggest that this variant is likely to be disruptive. In summary, the available evidence is currently insufficient to determine the role of this variant in disease. Therefore, it has been classified as a Variant of Uncertain Significance.

NM_001723.7(DST):c.7619A>G (p.Glu2540Gly)

Gene: DST (dystonin; minus strand). Cytogenetic location: 6p12.1.
Variant type: single nucleotide variant.
Coding change: c.7619A>G on transcript NM_001723.7 (MANE Plus Clinical); coding-DNA position 7619, A replaced by G.
Protein change: p.Glu2540Gly; replaces glutamic acid 2540 with glycine.
Molecular consequence: missense variant. On other transcripts: intron variant (10).
Genome position (GRCh38, 1-based): chr6:56,615,848, T>C on the plus strand (A>G on the coding strand, the complement: DST is on the minus strand). VCF-style: chr6-56615848-T-C. GRCh37 (hg19) VCF-style: chr6-56480646-T-C.
Other names: c.4831-1364A>G (NM_001144769.5); c.4930-1364A>G (NM_001374722.1, NM_001374736.1); c.4957-1364A>G (NM_001374734.1); c.4417-1364A>G (NM_001144770.2); c.4297-1364A>G (NM_001374730.1, NM_001386100.1, NM_183380.4 and 1 more transcripts); c.3319-1364A>G (NM_015548.5); short protein forms E2540G.
Identifiers: ClinVar variation 357544 (VCV000357544.8), dbSNP rs372196234, ClinGen allele CA3869924.